The following is an entry in ClinVar:

NM_001257096.2(PAX1):c.*147C>T

Gene: PAX1 (paired box 1; plus strand). Cytogenetic location: 20p11.22.
Variant type: single nucleotide variant.
Coding change: c.*147C>T on transcript NM_001257096.2 (MANE Select); 147 bases downstream of the stop codon, C replaced by T.
Molecular consequence: 3 prime UTR variant. On other transcripts: missense variant (1).
Genome position (GRCh38, 1-based): chr20:21,714,709, C>T. VCF-style: chr20-21714709-C-T. GRCh37 (hg19) VCF-style: chr20-21695347-C-T.
Other names: p.Pro504Leu; c.1511C>T, p.Pro504Leu (NM_006192.5); short protein forms P504L.
Identifiers: ClinVar variation 1168165 (VCV001168165.11), dbSNP rs17861061, ClinGen allele CA9786814.

ClinVar aggregate classification (germline): Benign. Review status: criteria provided, multiple submitters, no conflicts (2 of 4 stars). 3 submissions from 3 submitters: Benign (3). Last evaluated 2026-02-01.

Allele frequency attached by ClinVar (database versions not stated): 1000 Genomes Project 0.00719; gnomAD 0.01368 and 0.01325; gnomAD exomes 0.01508 and 0.01788; 1000 Genomes Project 30x 0.00687; ESP Exome Variant Server 0.01346; TOPMed 0.01230.

Submissions (3):

Labcorp Genetics (formerly Invitae), Labcorp
Classification: Benign. Last evaluated: 2026-02-01. Review status: criteria provided, single submitter. Criteria: Invitae Variant Classification Sherloc (09022015). Collection method: clinical testing. Allele origin: germline.

Mayo Clinic Laboratories, Mayo Clinic
Classification: Benign. Last evaluated: 2023-08-21. Review status: criteria provided, single submitter. Criteria: ACMG Guidelines, 2015. Collection method: clinical testing. Allele origin: germline. Observed: 5 variant alleles.
Comment: BS1, BS2, BP4

Breakthrough Genomics
Classification: Benign. Review status: criteria provided, single submitter. Criteria: ACMG Guidelines, 2015. Collection method: not provided. Allele origin: germline. Inheritance: Autosomal recessive inheritance. Affected: yes.